The following is an entry in ClinVar:

NM_007294.4(BRCA1):c.5586C>T (p.His1862=)

Gene: BRCA1 (BRCA1 DNA repair associated; minus strand). Cytogenetic location: 17q21.31.
Variant type: single nucleotide variant.
Coding change: c.5586C>T on transcript NM_007294.4 (MANE Select); coding-DNA position 5586, C replaced by T.
Protein change: p.His1862=; no amino-acid change (histidine 1862 retained).
Molecular consequence: synonymous variant. On other transcripts: 3 prime UTR variant (17).
Genome position (GRCh38, 1-based): chr17:43,045,684, G>A on the plus strand (C>T on the coding strand, the complement: BRCA1 is on the minus strand). VCF-style: chr17-43045684-G-A. GRCh37 (hg19) VCF-style: chr17-41197701-G-A.
Other names: c.1938C>T, p.His646= (NM_001408508.1); c.1935C>T, p.His645= (NM_001408509.1); c.1896C>T, p.His632= (NM_001408510.1); c.1893C>T, p.His631= (NM_001408511.1); c.1773C>T, p.His591= (NM_001408512.1); c.1746C>T, p.His582= (NM_001408513.1); c.1350C>T, p.His450= (NM_001408514.1); c.5445C>T, p.His1815= (NM_007297.4, NM_001407692.1, NM_001407694.1 and 12 more transcripts); and 74 more.
Identifiers: ClinVar variation 185343 (VCV000185343.49), dbSNP rs774127304, ClinGen allele CA003736.
Genomic context (GRCh38, chr17:43,045,684, plus strand): 5'-CTTTGTAAGCTCATTCTTGGGGTCCTGTGGCTCTGTACCTGTGGCTGGCTGCAGTCAGTA[G>A]TGGCTGTGGGGGATCTGGGGTATCAGGTAGGTGTCCAGCTCCTGGCACTGGTAGAGTGCT-3'
Protein context (NP_009225.1, residues 1852-1863): TYLIPQIPHS[His1862=]Y

ClinVar aggregate classification (germline): Likely benign. Review status: reviewed by expert panel (3 of 4 stars). 11 submissions from 11 submitters: Likely benign (1). 10 of the submissions do not count toward it. Last evaluated 2017-06-29.

Conditions:
BRCA1-related disorder. Also called: BRCA1-related condition.
Hereditary cancer-predisposing syndrome. Also called: Hereditary Cancer Syndrome; Hereditary neoplastic syndrome; Tumor predisposition; Neoplastic Syndromes, Hereditary. Identifiers: Orphanet 140162, MedGen C0027672, MeSH D009386, MONDO:0015356.
Hereditary breast ovarian cancer syndrome. Also called: Hereditary breast and ovarian cancer syndrome; Hereditary breast and ovarian cancer syndrome (HBOC); BRCA1- and BRCA2-Associated Hereditary Breast and Ovarian Cancer; Breast and ovarian cancer; Hereditary breast and ovarian cancer; Hereditary breast and/or ovarian cancer syndrome. Identifiers: Orphanet 145, MedGen C0677776, MeSH D061325, MONDO:0003582. Disease mechanism: loss of function.
Breast-ovarian cancer, familial, susceptibility to, 1 (BROVCA1). Also called: OVARIAN CANCER, SUSCEPTIBILITY TO; BRCA1 Hereditary Breast and Ovarian Cancer. Identifiers: Orphanet 145, MedGen C2676676, MONDO:0011450, OMIM 604370. Disease mechanism: loss of function.

Allele frequency attached by ClinVar (database versions not stated): gnomAD 0.00001; gnomAD exomes 0.00001 and 0.00004; ExAC 0.00002; TOPMed below 0.00001.
gnomAD v4.1: 53 of 1,613,678 alleles (0.0033%); highest among the groups gnomAD compares: Non-Finnish European, 0.0043%; no homozygotes.

Submissions (11):

Evidence-based Network for the Interpretation of Germline Mutant Alleles (ENIGMA)
Classification: Likely benign for Breast-ovarian cancer, familial, susceptibility to, 1. Last evaluated: 2017-06-29. Review status: reviewed by expert panel. Criteria: ENIGMA BRCA1/2 Classification Criteria (2017-06-29). Collection method: curation. Allele origin: germline.
Comment: Synonymous substitution variant, with low bioinformatic likelihood to result in a splicing aberration (Splicing prior probability 0.02).

Labcorp Genetics (formerly Invitae), Labcorp
Classification: Likely benign for Hereditary breast ovarian cancer syndrome. Last evaluated: 2026-01-19. Review status: criteria provided, single submitter. Criteria: Invitae Variant Classification Sherloc (09022015). Collection method: clinical testing. Allele origin: germline. Not counted in ClinVar's aggregate classification.

Center for Genomic Medicine, Rigshospitalet, Copenhagen University Hospital
Classification: Likely benign. Last evaluated: 2025-03-04. Review status: criteria provided, single submitter. Criteria: ACMG Guidelines, 2015. Collection method: clinical testing. Allele origin: germline. Not counted in ClinVar's aggregate classification.

All of Us Research Program, National Institutes of Health
Classification: Likely benign for Breast-ovarian cancer, familial, susceptibility to, 1. Last evaluated: 2023-11-20. Review status: criteria provided, single submitter. Criteria: ACMG Guidelines, 2015. Collection method: clinical testing. Allele origin: germline. Inheritance: Autosomal dominant inheritance. Observed: 2 variant alleles, 2 heterozygotes. Not counted in ClinVar's aggregate classification.
Comment: This study involves interpretation of variants in research participants for the purpose of population health screening. Participant phenotype was not available at the time of variant classification. Additional details can be found in publication PMID: 35346344, PMCID: PMC8962531

Genetic Services Laboratory, University of Chicago
Classification: Likely benign. Last evaluated: 2021-10-15. Review status: criteria provided, single submitter. Criteria: ACMG Guidelines, 2015. Collection method: clinical testing. Allele origin: germline. Affected: no. Not counted in ClinVar's aggregate classification.

Women's Health and Genetics/Laboratory Corporation of America, LabCorp
Classification: Likely benign. Last evaluated: 2020-04-02. Review status: criteria provided, single submitter. Criteria: LabCorp Variant Classification Summary - May 2015. Collection method: clinical testing. Allele origin: germline. Not counted in ClinVar's aggregate classification.

GeneDx
Classification: Likely benign. Last evaluated: 2019-04-01. Review status: criteria provided, single submitter. Criteria: GeneDx Variant Classification Process June 2021. Collection method: clinical testing. Allele origin: germline. Affected: yes. Not counted in ClinVar's aggregate classification.
Comment: This variant is associated with the following publications: (PMID: 10196379)

Illumina Laboratory Services, Illumina
Classification: Uncertain significance for Breast-ovarian cancer, familial, susceptibility to, 1. Last evaluated: 2018-01-12. Review status: criteria provided, single submitter. Criteria: ICSL Variant Classification Criteria 13 December 2019. Collection method: clinical testing. Allele origin: germline. Not counted in ClinVar's aggregate classification.

Color Diagnostics, LLC DBA Color Health
Classification: Likely benign for Hereditary cancer-predisposing syndrome. Last evaluated: 2017-12-19. Review status: criteria provided, single submitter. Criteria: ACMG Guidelines, 2015. Collection method: clinical testing. Allele origin: germline. Not counted in ClinVar's aggregate classification.

Ambry Genetics
Classification: Likely benign for Hereditary cancer-predisposing syndrome. Last evaluated: 2014-06-09. Review status: criteria provided, single submitter. Criteria: Ambry Variant Classification Scheme 2023. Collection method: clinical testing. Allele origin: germline. Not counted in ClinVar's aggregate classification.

PreventionGenetics, part of Exact Sciences
Classification: Likely benign for BRCA1-related condition. Last evaluated: 2020-11-15. Review status: no assertion criteria provided. Collection method: clinical testing. Allele origin: germline. Not counted in ClinVar's aggregate classification.
Comment: This variant is classified as likely benign based on ACMG/AMP sequence variant interpretation guidelines (Richards et al. 2015 PMID: 25741868, with internal and published modifications).

Literature cited by the submitters: PubMed 10196379 (cited by Women's Health and Genetics/Laboratory Corporation of America, LabCorp).